The following is an entry in ClinVar:

NM_017950.4(CCDC40):c.2920C>T (p.Gln974Ter)

Gene: CCDC40 (coiled-coil domain 40 molecular ruler complex subunit; plus strand). Cytogenetic location: 17q25.3.
Variant type: single nucleotide variant.
Coding change: c.2920C>T on transcript NM_017950.4 (MANE Select); coding-DNA position 2920, C replaced by T.
Protein change: p.Gln974Ter; replaces glutamine 974 with a stop codon.
Molecular consequence: nonsense.
Genome position (GRCh38, 1-based): chr17:80,095,350, C>T. VCF-style: chr17-80095350-C-T. GRCh37 (hg19) VCF-style: chr17-78069149-C-T.
Other names: short protein forms Q974*.
Identifiers: ClinVar variation 1797707 (VCV001797707.6), dbSNP rs977416538, ClinGen allele CA294876598.

ClinVar aggregate classification (germline): Pathogenic. Review status: criteria provided, multiple submitters, no conflicts (2 of 4 stars). 3 submissions from 3 submitters: Pathogenic (3). Last evaluated 2025-09-30.

Conditions:
Primary ciliary dyskinesia. Also called: Ciliary dyskinesia. Identifiers: Orphanet 244, MedGen C0008780, MONDO:0016575, HP:0012265.
CCDC40-related disorder. Also called: CCDC40-related condition.

Allele frequency attached by ClinVar (database versions not stated): gnomAD exomes below 0.00001; gnomAD 0.00001; TOPMed 0.00003.
gnomAD v4.1: 8 of 1,614,012 alleles (0.0005%); highest among the groups gnomAD compares: Admixed American, 0.0017%; no homozygotes.

Submissions (3):

Labcorp Genetics (formerly Invitae), Labcorp
Classification: Pathogenic for Primary ciliary dyskinesia. Last evaluated: 2025-09-30. Review status: criteria provided, single submitter. Criteria: Invitae Variant Classification Sherloc (09022015). Collection method: clinical testing. Allele origin: germline.
Comment: This sequence change creates a premature translational stop signal (p.Gln974*) in the CCDC40 gene. It is expected to result in an absent or disrupted protein product. Loss-of-function variants in CCDC40 are known to be pathogenic (PMID: 21131974, 22693285, 23255504). This variant is not present in population databases (gnomAD no frequency). This premature translational stop signal has been observed in individual(s) with primary ciliary dyskinesia (PMID: 22693285, 31879361). ClinVar contains an entry for this variant (Variation ID: 1797707). For these reasons, this variant has been classified as Pathogenic.

Blueprint Genetics
Classification: Pathogenic for CCDC40-related disorders. Last evaluated: 2024-11-27. Review status: criteria provided, single submitter. Criteria: ACMG Guidelines, 2015. Collection method: clinical testing. Allele origin: germline. Affected: yes. Observed: 2 variant alleles.

Ambry Genetics
Classification: Pathogenic for Primary ciliary dyskinesia. Last evaluated: 2021-12-20. Review status: criteria provided, single submitter. Criteria: Ambry Variant Classification Scheme 2023. Collection method: clinical testing. Allele origin: germline.
Comment: The p.Q974* variant (also known as c.2920C>T), located in coding exon 18 of the CCDC40 gene, results from a C to T substitution at nucleotide position 2920. This changes the amino acid from a glutamine to a stop codon within coding exon 18. This alteration has been detected in trans with other CCDC40 alterations in multiple individuals with primary ciliary dyskinesia (Blanchon S et al. J Med Genet, 2012 Jun;49:410-6; Fassad MR et al. J Med Genet, 2020 05;57:322-330). This variant is considered to be rare based on population cohorts in the Genome Aggregation Database (gnomAD). This alteration is expected to result in loss of function by premature protein truncation or nonsense-mediated mRNA decay. As such, this alteration is interpreted as a disease-causing mutation.

Literature cited by the submitters: PubMed 21131974 (cited by Labcorp Genetics (formerly Invitae), Labcorp); PubMed 22693285 (cited by Labcorp Genetics (formerly Invitae), Labcorp and Ambry Genetics); PubMed 23255504 (cited by Labcorp Genetics (formerly Invitae), Labcorp); PubMed 31879361 (cited by Labcorp Genetics (formerly Invitae), Labcorp and Ambry Genetics).